The following is an entry in ClinVar:

ClinVar aggregate classification (germline): Pathogenic (1 of 4 stars; one submission).

Submission:

Labcorp Genetics (formerly Invitae), Labcorp
Classification: Pathogenic. Last evaluated: 2022-06-27. Review status: criteria provided, single submitter. Criteria: Invitae Variant Classification Sherloc (09022015). Collection method: clinical testing. Allele origin: germline.
Comment: For these reasons, this variant has been classified as Pathogenic. This variant has not been reported in the literature in individuals affected with HNF1A-related conditions. This variant is not present in population databases (gnomAD no frequency). This sequence change creates a premature translational stop signal (p.Lys316Argfs*26) in the HNF1A gene. It is expected to result in an absent or disrupted protein product. Loss-of-function variants in HNF1A are known to be pathogenic (PMID: 15928245, 18003757).

Literature cited by the submitters: PubMed 15928245; PubMed 18003757.

NM_000545.8(HNF1A):c.947del (p.Lys316fs)

Gene: HNF1A (HNF1 homeobox A; plus strand). Cytogenetic location: 12q24.31.
Variant type: Deletion.
Coding change: c.947del on transcript NM_000545.8 (MANE Select); coding-DNA position 947, one base deleted (A; older notation c.947delA).
Protein change: p.Lys316fs; shifts the reading frame from lysine 316.
Molecular consequence: frameshift variant.
Genome position (GRCh38, 1-based): chr12:120,994,397, A deleted; the last of 2 consecutive A bases (chr12:120,994,396-120,994,397); deleting either gives the same sequence. VCF-style (leftmost placement, unchanged base first): chr12-120994395-TA-T. GRCh37 (hg19) VCF-style: chr12-121432198-TA-T.
Other names: c.947del, p.Lys316fs (NM_001306179.2); c.947delA, p.Lys316Argfs (NM_001406915.1); short protein forms K316fs.
Identifiers: ClinVar variation 2011439 (VCV002011439.4), dbSNP rs2499998332, ClinGen allele CA2580085934.